The following is an entry in ClinVar:

ClinVar aggregate classification (germline): Benign/Likely benign. Review status: criteria provided, multiple submitters, no conflicts (2 of 4 stars). 8 submissions from 8 submitters: Benign (2); Likely benign (6). Last evaluated 2026-01-20.

Conditions:
LAMA2-related muscular dystrophy (LAMA2-RD). Also called: Laminin alpha 2-related dystrophy. Identifiers: MedGen C5679788, MONDO:0100228.
Congenital muscular dystrophy due to partial LAMA2 deficiency. Identifiers: MedGen C1842898.
Inborn genetic diseases. Identifiers: MedGen C0950123, MeSH D030342.

Allele frequency attached by ClinVar (database versions not stated): gnomAD exomes 0.00036 and 0.00085; ExAC 0.00096; gnomAD 0.00286 and 0.00301; 1000 Genomes Project 30x 0.00297; 1000 Genomes Project 0.00300; TOPMed 0.00300; ESP Exome Variant Server 0.00346.
gnomAD v4.1: 980 of 1,613,358 alleles (0.061%); highest among the groups gnomAD compares: African/African-American, 0.92%; 5 homozygotes.

Submissions (8):

Labcorp Genetics (formerly Invitae), Labcorp
Classification: Benign for LAMA2-related muscular dystrophy. Last evaluated: 2026-01-20. Review status: criteria provided, single submitter. Criteria: Invitae Variant Classification Sherloc (09022015). Collection method: clinical testing. Allele origin: germline.

CeGaT Center for Human Genetics Tuebingen
Classification: Likely benign. Last evaluated: 2026-01-01. Review status: criteria provided, single submitter. Criteria: CeGaT Center For Human Genetics Tuebingen Variant Classification Criteria Version 2. Collection method: clinical testing. Allele origin: germline. Affected: yes. Observed: 3 variant alleles.
Comment: LAMA2: BP4, BS1

Ambry Genetics
Classification: Likely benign for Inborn genetic diseases. Last evaluated: 2025-08-21. Review status: criteria provided, single submitter. Criteria: Ambry Variant Classification Scheme 2023. Collection method: clinical testing. Allele origin: germline.

Mayo Clinic Laboratories, Mayo Clinic
Classification: Benign. Last evaluated: 2025-03-05. Review status: criteria provided, single submitter. Criteria: ACMG Guidelines, 2015. Collection method: clinical testing. Allele origin: germline. Observed: 7 variant alleles.
Comment: BS1, BS2, BP4

Blueprint Genetics
Classification: Likely benign. Last evaluated: 2024-09-11. Review status: criteria provided, single submitter. Criteria: ACMG Guidelines, 2015. Collection method: clinical testing. Allele origin: germline.

Athena Diagnostics
Classification: Likely benign. Last evaluated: 2021-04-23. Review status: criteria provided, single submitter. Criteria: Athena Diagnostics criteria. Collection method: clinical testing. Allele origin: unknown.

GeneDx
Classification: Likely benign. Last evaluated: 2019-07-24. Review status: criteria provided, single submitter. Criteria: GeneDx Variant Classification Process June 2021. Collection method: clinical testing. Allele origin: germline. Affected: yes.
Comment: This variant is associated with the following publications: (PMID: 30055037)

Illumina Laboratory Services, Illumina
Classification: Likely benign for Congenital muscular dystrophy due to partial LAMA2 deficiency. Last evaluated: 2018-01-13. Review status: criteria provided, single submitter. Criteria: ICSL Variant Classification Criteria 13 December 2019. Collection method: clinical testing. Allele origin: germline.
Comment: This variant was observed in the ICSL laboratory as part of a predisposition screen in an ostensibly healthy population. It had not been previously curated by ICSL or reported in the Human Gene Mutation Database (HGMD: prior to June 1st, 2018), and was therefore a candidate for classification through an automated scoring system. Utilizing variant allele frequency, disease prevalence and penetrance estimates, and inheritance mode, an automated score was calculated to assess if this variant is too frequent to cause the disease. Based on the score and internal cut-off values, a variant classified as likely benign is not then subjected to further curation. The score for this variant resulted in a classification of likely benign for this disease.

NM_000426.4(LAMA2):c.6788C>T (p.Thr2263Met)

Gene: LAMA2 (laminin subunit alpha 2; plus strand). Cytogenetic location: 6q22.33.
Variant type: single nucleotide variant.
Coding change: c.6788C>T on transcript NM_000426.4 (MANE Select); coding-DNA position 6788, C replaced by T.
Protein change: p.Thr2263Met; replaces threonine 2263 with methionine.
Molecular consequence: missense variant.
Genome position (GRCh38, 1-based): chr6:129,456,415, C>T. VCF-style: chr6-129456415-C-T. GRCh37 (hg19) VCF-style: chr6-129777560-C-T.
Other names: p.Thr2263Met; c.6788C>T, p.Thr2263Met (NM_001079823.2); short protein forms T2263M.
Identifiers: ClinVar variation 355292 (VCV000355292.62), dbSNP rs56209257, ClinGen allele CA3994363.
Genomic context (GRCh38, chr6:129,456,415, plus strand): 5'-TTTCTGTGAGAGCCCTGGATGGACCCAAAGCCAGCATTGTGCCCAGCACACACCATTCGA[C>T]GTCTCCTCCAGGGTACACGATTCTAGATGTGGATGCAAATGCAATGCTGTTTGTTGGTGG-3'
Protein context (NP_000417.3, residues 2253-2273): ASIVPSTHHS[Thr2263Met]SPPGYTILDV